The following is an entry in ClinVar:

NM_002585.4(PBX1):c.627C>A (p.Ser209Arg)

Gene: PBX1 (PBX homeobox 1; plus strand). Cytogenetic location: 1q23.3.
Variant type: single nucleotide variant.
Coding change: c.627C>A on transcript NM_002585.4 (MANE Select); coding-DNA position 627, C replaced by A.
Protein change: p.Ser209Arg; replaces serine 209 with arginine.
Molecular consequence: missense variant.
Genome position (GRCh38, 1-based): chr1:164,799,815, C>A. VCF-style: chr1-164799815-C-A. GRCh37 (hg19) VCF-style: chr1-164769052-C-A.
Other names: c.627C>A, p.Ser209Arg (NM_001204961.2, NM_001204963.2, NM_001353131.2); c.378C>A, p.Ser126Arg (NM_001353130.1); short protein forms S126R, S209R.
Identifiers: ClinVar variation 1695602 (VCV001695602.4), dbSNP rs2102319612, ClinGen allele CA343470949.

ClinVar aggregate classification (germline): Uncertain significance (1 of 4 stars; one submission).

Submission:

GeneDx
Classification: Uncertain significance. Last evaluated: 2023-01-27. Review status: criteria provided, single submitter. Criteria: GeneDx Variant Classification Process June 2021. Collection method: clinical testing. Allele origin: germline. Affected: yes.
Comment: Not observed at significant frequency in large population cohorts (gnomAD); In silico analysis supports that this missense variant has a deleterious effect on protein structure/function; Has not been previously published as pathogenic or benign to our knowledge